The following is an entry in ClinVar:

NM_018163.3(DNAJC17):c.307C>T (p.Arg103Trp)

Gene: DNAJC17 (DnaJ heat shock protein family (Hsp40) member C17; minus strand). Cytogenetic location: 15q15.1.
Variant type: single nucleotide variant.
Coding change: c.307C>T on transcript NM_018163.3 (MANE Select); coding-DNA position 307, C replaced by T.
Protein change: p.Arg103Trp; replaces arginine 103 with tryptophan.
Molecular consequence: missense variant.
Genome position (GRCh38, 1-based): chr15:40,776,616, G>A on the plus strand (C>T on the coding strand, the complement: DNAJC17 is on the minus strand). VCF-style: chr15-40776616-G-A. GRCh37 (hg19) VCF-style: chr15-41068814-G-A.
Other names: c.307C>T (NM_018163.2); short protein forms R103W.
Identifiers: ClinVar variation 3694802 (VCV003694802.3).

ClinVar aggregate classification (germline): Uncertain significance. Review status: criteria provided, multiple submitters, no conflicts (2 of 4 stars). 2 submissions from 2 submitters: Uncertain significance (2). Last evaluated 2025-12-18.

gnomAD v4.1: 23 of 1,613,868 alleles (0.0014%); highest among the groups gnomAD compares: Middle Eastern, 0.016%; no homozygotes.

Submissions (2):

Labcorp Genetics (formerly Invitae), Labcorp
Classification: Uncertain significance. Last evaluated: 2025-12-18. Review status: criteria provided, single submitter. Criteria: Invitae Variant Classification Sherloc (09022015). Collection method: clinical testing. Allele origin: germline.
Comment: This sequence change replaces arginine, which is basic and polar, with tryptophan, which is neutral and slightly polar, at codon 103 of the DNAJC17 protein (p.Arg103Trp). This variant is present in population databases (rs775296063, gnomAD 0.009%). This variant has not been reported in the literature in individuals affected with DNAJC17-related conditions. ClinVar contains an entry for this variant (Variation ID: 3694802). An algorithm developed to predict the effect of missense changes on protein structure and function (PolyPhen-2) suggests that this variant is likely to be disruptive. In summary, the available evidence is currently insufficient to determine the role of this variant in disease. Therefore, it has been classified as a Variant of Uncertain Significance.

Ambry Genetics
Classification: Uncertain significance. Last evaluated: 2025-09-05. Review status: criteria provided, single submitter. Criteria: Ambry Variant Classification Scheme 2023. Collection method: clinical testing. Allele origin: germline.